The following is an entry in ClinVar:

NM_001271938.2(MEGF8):c.6716G>A (p.Arg2239His)

Gene: MEGF8 (multiple EGF like domains 8; plus strand). Cytogenetic location: 19q13.2.
Variant type: single nucleotide variant.
Coding change: c.6716G>A on transcript NM_001271938.2 (MANE Select); coding-DNA position 6716, G replaced by A.
Protein change: p.Arg2239His; replaces arginine 2239 with histidine.
Molecular consequence: missense variant.
Genome position (GRCh38, 1-based): chr19:42,369,605, G>A. VCF-style: chr19-42369605-G-A. GRCh37 (hg19) VCF-style: chr19-42873757-G-A.
Other names: c.6515G>A, p.Arg2172His (NM_001410.3); short protein forms R2172H, R2239H.
Identifiers: ClinVar variation 2501327 (VCV002501327.1), dbSNP rs532673964, ClinGen allele CA9475963.
Genomic context (GRCh38, chr19:42,369,605, plus strand): 5'-GCCGCCCTGTGTGCGCCCAGGGCTGCGTGAACGGCTCATGTGTGGAGCCCGACCACTGCC[G>A]CTGCCACTTTGGCTTTGTGGGCCGCAACTGCTCCACGGAATGCCGCTGCAACCGCCACAG-3'
Protein context (NP_001258867.1, residues 2229-2249): NGSCVEPDHC[Arg2239His]CHFGFVGRNC

ClinVar aggregate classification (germline): Uncertain significance (1 of 4 stars; one submission).

Allele frequency attached by ClinVar (database versions not stated): gnomAD exomes 0.00001; ExAC 0.00002; gnomAD 0.00002; 1000 Genomes Project 30x 0.00016; 1000 Genomes Project 0.00020.
gnomAD v4.1: 18 of 1,612,670 alleles (0.0011%); highest among the groups gnomAD compares: Middle Eastern, 0.017%; no homozygotes.

Submission:

GeneDx
Classification: Uncertain significance. Last evaluated: 2022-11-03. Review status: criteria provided, single submitter. Criteria: GeneDx Variant Classification Process June 2021. Collection method: clinical testing. Allele origin: germline. Affected: yes.
Comment: In silico analysis supports that this missense variant has a deleterious effect on protein structure/function; Has not been previously published as pathogenic or benign to our knowledge